The following is an entry in ClinVar:

ClinVar aggregate classification (germline): Pathogenic (1 of 4 stars; one submission).

Conditions:
Congenital myasthenic syndrome 4A. Also called: Myasthenic syndrome, congenital, 4a, slow-channel; CONGENITAL MYASTHENIC SYNDROME TYPE Ia1; MYASTHENIC SYNDROME, CONGENITAL, 4A, SLOW-CHANNEL, AUTOSOMAL RECESSIVE. Identifiers: Orphanet 590, MedGen C4225413, MONDO:0011600, OMIM 605809.

Submission:

Labcorp Genetics (formerly Invitae), Labcorp
Classification: Pathogenic for Congenital myasthenic syndrome 4A. Last evaluated: 2023-04-06. Review status: criteria provided, single submitter. Criteria: Invitae Variant Classification Sherloc (09022015). Collection method: clinical testing. Allele origin: germline.
Comment: Algorithms developed to predict the effect of sequence changes on RNA splicing suggest that this variant may create or strengthen a splice site. For these reasons, this variant has been classified as Pathogenic. This variant has not been reported in the literature in individuals affected with CHRNE-related conditions. This variant is not present in population databases (gnomAD no frequency). This sequence change creates a premature translational stop signal (p.Trp80*) in the CHRNE gene. It is expected to result in an absent or disrupted protein product. Loss-of-function variants in CHRNE are known to be pathogenic (PMID: 22678886).

Literature cited by the submitters: PubMed 22678886.

NM_000080.4(CHRNE):c.240G>A (p.Trp80Ter)

Genes: C17orf107 (chromosome 17 open reading frame 107; plus strand), CHRNE (cholinergic receptor nicotinic epsilon subunit; minus strand). Cytogenetic location: 17p13.2.
Variant type: single nucleotide variant.
Coding change: c.240G>A on transcript NM_000080.4 (MANE Select); coding-DNA position 240, G replaced by A.
Protein change: p.Trp80Ter; replaces tryptophan 80 with a stop codon.
Molecular consequence: nonsense. On other transcripts: 3 prime UTR variant (1).
Genome position (GRCh38, 1-based): chr17:4,902,321, C>T on the plus strand (G>A on the coding strand, the complement: CHRNE is on the minus strand). VCF-style: chr17-4902321-C-T. GRCh37 (hg19) VCF-style: chr17-4805616-C-T.
Other names: c.*1788C>T (NM_001145536.2); short protein forms W80*.
Identifiers: ClinVar variation 2805043 (VCV002805043.3), dbSNP rs1970018420, ClinGen allele CA397307349.